The following is an entry in ClinVar:

ClinVar aggregate classification (germline): Conflicting classifications of pathogenicity. Review status: criteria provided, conflicting classifications (1 of 4 stars). 6 submissions from 6 submitters: Uncertain significance (5); Likely benign (1). Last evaluated 2025-05-31.

Conditions:
Hereditary cancer-predisposing syndrome. Also called: Hereditary neoplastic syndrome; Neoplastic Syndromes, Hereditary; Tumor predisposition; Hereditary Cancer Syndrome. Identifiers: Orphanet 140162, MedGen C0027672, MeSH D009386, MONDO:0015356.
Hereditary breast ovarian cancer syndrome. Also called: Hereditary breast and/or ovarian cancer syndrome; BRCA1- and BRCA2-Associated Hereditary Breast and Ovarian Cancer; Hereditary breast and ovarian cancer; Breast and ovarian cancer; Hereditary breast and ovarian cancer syndrome; Hereditary breast and ovarian cancer syndrome (HBOC). Identifiers: Orphanet 145, MedGen C0677776, MeSH D061325, MONDO:0003582. Disease mechanism: loss of function.
Breast-ovarian cancer, familial, susceptibility to, 2 (BROVCA2). Also called: BRCA2 Hereditary Breast and Ovarian Cancer. Identifiers: Orphanet 145, MedGen C2675520, MONDO:0012933, OMIM 612555. Disease mechanism: loss of function.

gnomAD v4.1: 1 of 1,606,892 alleles (0.000062%); highest among the groups gnomAD compares: Middle Eastern, 0.017%; no homozygotes.

Submissions (6):

Ambry Genetics
Classification: Uncertain significance for Hereditary cancer-predisposing syndrome. Last evaluated: 2025-05-31. Review status: criteria provided, single submitter. Criteria: Ambry Variant Classification Scheme 2023. Collection method: clinical testing. Allele origin: germline.
Comment: The p.Y2094S variant (also known as c.6281A>C), located in coding exon 10 of the BRCA2 gene, results from an A to C substitution at nucleotide position 6281. The tyrosine at codon 2094 is replaced by serine, an amino acid with dissimilar properties. This amino acid position is poorly conserved in available vertebrate species. In addition, this alteration is predicted to be tolerated by in silico analysis. Since supporting evidence is limited at this time, the clinical significance of this alteration remains unclear.

Quest Diagnostics Nichols Institute San Juan Capistrano
Classification: Uncertain significance. Last evaluated: 2025-05-07. Review status: criteria provided, single submitter. Criteria: Quest Diagnostics criteria. Collection method: clinical testing. Allele origin: unknown.
Comment: The BRCA2 c.6281A>C (p.Tyr2094Ser) variant has been reported in the published literature in at least one individual with a personal and/or family history of cancer (PMID: 31853058 (2020)), and described to be located in a region of the BRCA2 gene that is tolerant to missense sequence changes (PMID: 31911673 (2020)). This variant has not been reported in large, multi-ethnic general populations (Genome Aggregation Database). Analysis of this variant using bioinformatics tools for the prediction of the effect of amino acid changes on protein structure and function yielded predictions that this variant is benign. Based on the available information, we are unable to determine the clinical significance of this variant.

Labcorp Genetics (formerly Invitae), Labcorp
Classification: Uncertain significance for Hereditary breast ovarian cancer syndrome. Last evaluated: 2025-04-18. Review status: criteria provided, single submitter. Criteria: Invitae Variant Classification Sherloc (09022015). Collection method: clinical testing. Allele origin: germline.
Comment: This sequence change replaces tyrosine, which is neutral and polar, with serine, which is neutral and polar, at codon 2094 of the BRCA2 protein (p.Tyr2094Ser). This variant is not present in population databases (gnomAD no frequency). This variant has not been reported in the literature in individuals affected with BRCA2-related conditions. ClinVar contains an entry for this variant (Variation ID: 462401). Invitae Evidence Modeling of protein sequence and biophysical properties (such as structural, functional, and spatial information, amino acid conservation, physicochemical variation, residue mobility, and thermodynamic stability) indicates that this missense variant is not expected to disrupt BRCA2 protein function with a negative predictive value of 95%. In summary, the available evidence is currently insufficient to determine the role of this variant in disease. Therefore, it has been classified as a Variant of Uncertain Significance.

Color Diagnostics, LLC DBA Color Health
Classification: Uncertain significance for Hereditary cancer-predisposing syndrome. Last evaluated: 2023-06-20. Review status: criteria provided, single submitter. Criteria: ACMG Guidelines, 2015. Collection method: clinical testing. Allele origin: germline.
Comment: This missense variant replaces tyrosine with serine at codon 2094 of the BRCA2 protein. Computational prediction suggests that this variant may not impact protein structure and function (internally defined REVEL score threshold <= 0.5, PMID: 27666373). To our knowledge, functional studies have not been reported for this variant. This variant has not been reported in individuals affected with BRCA2-related disorders in the literature. This variant has not been identified in the general population by the Genome Aggregation Database (gnomAD). The available evidence is insufficient to determine the role of this variant in disease conclusively. Therefore, this variant is classified as a Variant of Uncertain Significance.

All of Us Research Program, National Institutes of Health
Classification: Uncertain significance for Breast-ovarian cancer, familial, susceptibility to, 2. Last evaluated: 2023-04-27. Review status: criteria provided, single submitter. Criteria: ACMG Guidelines, 2015. Collection method: clinical testing. Allele origin: germline. Inheritance: Autosomal dominant inheritance. Observed: 1 variant allele, 1 heterozygote.
Comment: This missense variant replaces tyrosine with serine at codon 2094 of the BRCA2 protein. Computational prediction tool suggests that this variant may not impact protein structure and function (internally defined REVEL score threshold <=0.5, PMID: 27666373). Splice site prediction tools suggest that this variant may not impact RNA splicing. To our knowledge, functional studies have not been performed for this variant. This variant has not been reported in individuals affected with hereditary cancer in the literature. This variant has not been identified in the general population by the Genome Aggregation Database (gnomAD). The available evidence is insufficient to determine the role of this variant in disease conclusively. Therefore, this variant is classified as a Variant of Uncertain Significance.

This study involves interpretation of variants in research participants for the purpose of population health screening. Participant phenotype was not available at the time of variant classification. Additional details can be found in publication PMID: 35346344, PMCID: PMC8962531

University of Washington Department of Laboratory Medicine, University of Washington
Classification: Likely benign for Hereditary cancer-predisposing syndrome. Last evaluated: 2023-03-23. Review status: criteria provided, single submitter. Criteria: Dines et al. (Genet Med. 2020). Collection method: curation. Allele origin: germline.
Comment: Missense variant in a coldspot region where missense variants are very unlikely to be pathogenic (PMID:31911673).

BRCA2 exon 11 coldspot. Reclassification based on statistical prior probability.

Literature cited by the submitters: PubMed 31911673 (cited by Quest Diagnostics Nichols Institute San Juan Capistrano); PubMed 31853058 (cited by Quest Diagnostics Nichols Institute San Juan Capistrano).

NM_000059.4(BRCA2):c.6281A>C (p.Tyr2094Ser)

Gene: BRCA2 (BRCA2 DNA repair associated; plus strand). Cytogenetic location: 13q13.1.
Variant type: single nucleotide variant.
Coding change: c.6281A>C on transcript NM_000059.4 (MANE Select); coding-DNA position 6281, A replaced by C.
Protein change: p.Tyr2094Ser; replaces tyrosine 2094 with serine.
Molecular consequence: missense variant.
Genome position (GRCh38, 1-based): chr13:32,340,636, A>C. VCF-style: chr13-32340636-A-C. GRCh37 (hg19) VCF-style: chr13-32914773-A-C.
Other names: short protein forms Y2094S.
Identifiers: ClinVar variation 462401 (VCV000462401.21), dbSNP rs397507838, ClinGen allele CA387788993.
Genomic context (GRCh38, chr13:32,340,636, plus strand): 5'-ACAAAGTTAAGGGAGTGTTAGAGGAATTTGATTTAATCAGAACTGAGCATAGTCTTCACT[A>C]TTCACCTACGTCTAGACAAAATGTATCAAAAATACTTCCTCGTGTTGATAAGAGAAACCC-3'
Protein context (NP_000050.3, residues 2084-2104): DLIRTEHSLH[Tyr2094Ser]SPTSRQNVSK